The following is an entry in ClinVar:

ClinVar aggregate classification (germline): Likely benign (0 of 4 stars; one submission).

Conditions:
EFR3A-related disorder. Also called: EFR3A-related condition.

Allele frequency attached by ClinVar (database versions not stated): 1000 Genomes Project 0.00020; TOPMed 0.00064; 1000 Genomes Project 30x 0.00078.
gnomAD v4.1: 93 of 152,120 alleles (0.061%); highest among the groups gnomAD compares: African/African-American, 0.22%; no homozygotes.

Submission:

PreventionGenetics, part of Exact Sciences
Classification: Likely benign for EFR3A-related condition. Last evaluated: 2022-08-29. Review status: no assertion criteria provided. Collection method: clinical testing. Allele origin: germline.
Comment: This variant is classified as likely benign based on ACMG/AMP sequence variant interpretation guidelines (Richards et al. 2015 PMID: 25741868, with internal and published modifications).

NM_015137.6(EFR3A):c.2065+1011C>T

Gene: EFR3A (EFR3 homolog A; plus strand). Cytogenetic location: 8q24.22.
Variant type: single nucleotide variant.
Coding change: c.2065+1011C>T on transcript NM_015137.6 (MANE Select); 1011 bases into the intron after coding-DNA position 2065, C replaced by T.
Molecular consequence: intron variant. On other transcripts: missense variant (1).
Genome position (GRCh38, 1-based): chr8:131,988,713, C>T. VCF-style: chr8-131988713-C-T. GRCh37 (hg19) VCF-style: chr8-133000960-C-T.
Other names: c.2089C>T, p.Pro697Ser (NM_001323558.2); c.1957+1011C>T (NM_001323555.2, NM_001323554.2, NM_001323553.2 and 2 more transcripts); short protein forms P697S.
Identifiers: ClinVar variation 3059722 (VCV003059722.2), dbSNP rs532567011, ClinGen allele CA185412359.
Genomic context (GRCh38, chr8:131,988,713, plus strand): 5'-ACATTTAAAATATTTTACTCTTATAATTTGAATTTAGCTCTCTTTCCTTCAAGCAAAAAA[C>T]CTCTTAAACCCAGGCACAAGCACAAAGGTAAATCCAGTTGTCAGTTTGGCCTGCCTTTTC-3'